The following is an entry in ClinVar:

ClinVar aggregate classification (germline): Uncertain significance (1 of 4 stars; one submission).

gnomAD v4.1: 1 of 1,614,092 alleles (0.000062%); highest among the groups gnomAD compares: Non-Finnish European, 0.000085%; no homozygotes.

Submission:

Labcorp Genetics (formerly Invitae), Labcorp
Classification: Uncertain significance. Last evaluated: 2022-01-01. Review status: criteria provided, single submitter. Criteria: Invitae Variant Classification Sherloc (09022015). Collection method: clinical testing. Allele origin: germline.
Comment: In summary, the available evidence is currently insufficient to determine the role of this variant in disease. Therefore, it has been classified as a Variant of Uncertain Significance. Algorithms developed to predict the effect of missense changes on protein structure and function (SIFT, PolyPhen-2, Align-GVGD) all suggest that this variant is likely to be disruptive. This variant has not been reported in the literature in individuals affected with VCAN-related conditions. This variant is not present in population databases (gnomAD no frequency). This sequence change replaces threonine, which is neutral and polar, with isoleucine, which is neutral and non-polar, at codon 3189 of the VCAN protein (p.Thr3189Ile).

NM_004385.5(VCAN):c.9566C>T (p.Thr3189Ile)

Genes: VCAN (versican; plus strand), VCAN-AS1 (VCAN antisense RNA 1; minus strand). Cytogenetic location: 5q14.3.
Variant type: single nucleotide variant.
Coding change: c.9566C>T on transcript NM_004385.5 (MANE Select); coding-DNA position 9566, C replaced by T.
Protein change: p.Thr3189Ile; replaces threonine 3189 with isoleucine.
Molecular consequence: missense variant.
Genome position (GRCh38, 1-based): chr5:83,553,436, C>T. VCF-style: chr5-83553436-C-T. GRCh37 (hg19) VCF-style: chr5-82849255-C-T.
Other names: c.1343C>T, p.Thr448Ile (NM_001126336.3); c.6605C>T, p.Thr2202Ile (NM_001164097.2); c.4304C>T, p.Thr1435Ile (NM_001164098.2); short protein forms T448I, T3189I, T2202I, T1435I.
Identifiers: ClinVar variation 2069449 (VCV002069449.4), dbSNP rs1279371377, ClinGen allele CA360297406.